The following is an entry in ClinVar:

ClinVar aggregate classification (germline): Uncertain significance. Review status: criteria provided, multiple submitters, no conflicts (2 of 4 stars). 2 submissions from 2 submitters: Uncertain significance (2). Last evaluated 2024-05-09.

Conditions:
Inborn genetic diseases. Identifiers: MedGen C0950123, MeSH D030342.

Allele frequency attached by ClinVar (database versions not stated): gnomAD exomes 0.00002; gnomAD 0.00034.
gnomAD v4.1: 80 of 1,613,858 alleles (0.005%); highest among the groups gnomAD compares: Admixed American, 0.12%; no homozygotes.

Submissions (2):

Labcorp Genetics (formerly Invitae), Labcorp
Classification: Uncertain significance. Last evaluated: 2024-05-09. Review status: criteria provided, single submitter. Criteria: Invitae Variant Classification Sherloc (09022015). Collection method: clinical testing. Allele origin: germline.
Comment: This sequence change replaces glycine, which is neutral and non-polar, with arginine, which is basic and polar, at codon 133 of the RBFOX2 protein (p.Gly133Arg). This variant is present in population databases (no rsID available, gnomAD 0.05%). This variant has not been reported in the literature in individuals affected with RBFOX2-related conditions. ClinVar contains an entry for this variant (Variation ID: 2301452). An algorithm developed to predict the effect of missense changes on protein structure and function (PolyPhen-2) suggests that this variant is likely to be disruptive. In summary, the available evidence is currently insufficient to determine the role of this variant in disease. Therefore, it has been classified as a Variant of Uncertain Significance.

Ambry Genetics
Classification: Uncertain significance for Inborn genetic diseases. Last evaluated: 2021-09-15. Review status: criteria provided, single submitter. Criteria: Ambry Variant Classification Scheme 2023. Collection method: clinical testing. Allele origin: germline.

NM_001349999.2(RBFOX2):c.397G>A (p.Gly133Arg)

Gene: RBFOX2 (RNA binding fox-1 homolog 2; minus strand). Cytogenetic location: 22q12.3.
Variant type: single nucleotide variant.
Coding change: c.397G>A on transcript NM_001349999.2 (MANE Select); coding-DNA position 397, G replaced by A.
Protein change: p.Gly133Arg; replaces glycine 133 with arginine.
Molecular consequence: missense variant.
Genome position (GRCh38, 1-based): chr22:35,809,845, C>T on the plus strand (G>A on the coding strand, the complement: RBFOX2 is on the minus strand). VCF-style: chr22-35809845-C-T. GRCh37 (hg19) VCF-style: chr22-36205892-C-T.
Other names: c.187G>A, p.Gly63Arg (NM_001031695.4, NM_001082576.3, NM_001082577.3 and 4 more transcripts); c.397G>A, p.Gly133Arg (NM_001082578.4, NM_001082579.3, NM_001394108.1 and 7 more transcripts); c.253G>A, p.Gly85Arg (NM_001349982.2, NM_001349989.2, NM_001349990.2 and 5 more transcripts); short protein forms G133R, G63R, G85R.
Identifiers: ClinVar variation 2301452 (VCV002301452.4), dbSNP rs937003383, ClinGen allele CA323931556.